The following is an entry in ClinVar:

ClinVar aggregate classification (germline): Uncertain significance. Review status: criteria provided, multiple submitters, no conflicts (2 of 4 stars). 2 submissions from 2 submitters: Uncertain significance (2). Last evaluated 2025-01-08.

Conditions:
Cardiovascular phenotype. Identifiers: MedGen CN230736.

Allele frequency attached by ClinVar (database versions not stated): TOPMed below 0.00001; gnomAD 0.00001; gnomAD exomes 0.00001.
gnomAD v4.1: 9 of 1,613,456 alleles (0.00056%); highest among the groups gnomAD compares: South Asian, 0.0033%; no homozygotes.

Submissions (2):

GeneDx
Classification: Uncertain significance. Last evaluated: 2025-01-08. Review status: criteria provided, single submitter. Criteria: GeneDx Variant Classification Process June 2021. Collection method: clinical testing. Allele origin: germline. Affected: yes.
Comment: Not observed at significant frequency in large population cohorts (gnomAD); In silico analysis indicates that this missense variant does not alter protein structure/function; Has not been previously published as pathogenic or benign to our knowledge

Ambry Genetics
Classification: Uncertain significance for Cardiovascular phenotype. Last evaluated: 2021-11-18. Review status: criteria provided, single submitter. Criteria: Ambry Variant Classification Scheme 2023. Collection method: clinical testing. Allele origin: germline.
Comment: The p.I3766T variant (also known as c.11297T>C), located in coding exon 16 of the ALMS1 gene, results from a T to C substitution at nucleotide position 11297. The isoleucine at codon 3766 is replaced by threonine, an amino acid with similar properties. This amino acid position is not well conserved in available vertebrate species. In addition, the in silico prediction for this alteration is inconclusive. Since supporting evidence is limited at this time, the clinical significance of this alteration remains unclear.

NM_001378454.1(ALMS1):c.11294T>C (p.Ile3765Thr)

Gene: ALMS1 (ALMS1 centrosome and basal body associated protein; plus strand). Cytogenetic location: 2p13.1.
Variant type: single nucleotide variant.
Coding change: c.11294T>C on transcript NM_001378454.1 (MANE Select); coding-DNA position 11294, T replaced by C.
Protein change: p.Ile3765Thr; replaces isoleucine 3765 with threonine.
Molecular consequence: missense variant.
Genome position (GRCh38, 1-based): chr2:73,573,171, T>C. VCF-style: chr2-73573171-T-C. GRCh37 (hg19) VCF-style: chr2-73800298-T-C.
Other names: c.11297T>C, p.Ile3766Thr (NM_015120.4); short protein forms I3765T, I3766T.
Identifiers: ClinVar variation 1727565 (VCV001727565.3), dbSNP rs1409560048, ClinGen allele CA347288883.
Genomic context (GRCh38, chr2:73,573,171, plus strand): 5'-TGCTCACAGATACTACCACCAACATCCTTTCCGGCACCACTTCTACTGTCGAATCAGATA[T>C]ATTGACCCAAACAGATAGAGAGGTGGCTCTGCACGAAAGGAGTAGCTCTGTTTCCACTAT-3'
Protein context (NP_001365383.1, residues 3755-3775): SGTTSTVESD[Ile3765Thr]LTQTDREVAL